The following is an entry in ClinVar:

ClinVar aggregate classification (germline): Uncertain significance (1 of 4 stars; one submission).

Allele frequency attached by ClinVar (database versions not stated): TOPMed below 0.00001.

Submission:

Labcorp Genetics (formerly Invitae), Labcorp
Classification: Uncertain significance. Last evaluated: 2021-03-17. Review status: criteria provided, single submitter. Criteria: Invitae Variant Classification Sherloc (09022015). Collection method: clinical testing. Allele origin: germline.
Comment: In summary, the available evidence is currently insufficient to determine the role of this variant in disease. Therefore, it has been classified as a Variant of Uncertain Significance. Algorithms developed to predict the effect of missense changes on protein structure and function are either unavailable or do not agree on the potential impact of this missense change (SIFT: "Tolerated"; PolyPhen-2: "Not Available"; Align-GVGD: "Class C0"). This variant has not been reported in the literature in individuals with KMT2B-related conditions. This variant is not present in population databases (ExAC no frequency). This sequence change replaces isoleucine with valine at codon 2191 of the KMT2B protein (p.Ile2191Val). The isoleucine residue is weakly conserved and there is a small physicochemical difference between isoleucine and valine.

NM_014727.3(KMT2B):c.6571A>G (p.Ile2191Val)

Gene: KMT2B (lysine methyltransferase 2B; plus strand). Cytogenetic location: 19q13.12.
Variant type: single nucleotide variant.
Coding change: c.6571A>G on transcript NM_014727.3 (MANE Select); coding-DNA position 6571, A replaced by G.
Protein change: p.Ile2191Val; replaces isoleucine 2191 with valine.
Molecular consequence: missense variant.
Genome position (GRCh38, 1-based): chr19:35,733,120, A>G. VCF-style: chr19-35733120-A-G. GRCh37 (hg19) VCF-style: chr19-36224021-A-G.
Other names: short protein forms I2191V.
Identifiers: ClinVar variation 1470263 (VCV001470263.8), dbSNP rs1969778926, ClinGen allele CA405429321.